The following is an entry in ClinVar:

NM_005560.6(LAMA5):c.7416G>A (p.Met2472Ile)

Gene: LAMA5 (laminin subunit alpha 5; minus strand). Cytogenetic location: 20q13.33.
Variant type: single nucleotide variant.
Coding change: c.7416G>A on transcript NM_005560.6 (MANE Select); coding-DNA position 7416, G replaced by A.
Protein change: p.Met2472Ile; replaces methionine 2472 with isoleucine.
Molecular consequence: missense variant.
Genome position (GRCh38, 1-based): chr20:62,317,440, C>T on the plus strand (G>A on the coding strand, the complement: LAMA5 is on the minus strand). VCF-style: chr20-62317440-C-T. GRCh37 (hg19) VCF-style: chr20-60892496-C-T.
Other names: c.7416G>A (NM_005560.4); short protein forms M2472I.
Identifiers: ClinVar variation 2858472 (VCV002858472.4), dbSNP rs138561117, ClinGen allele CA9941241.

ClinVar aggregate classification (germline): Uncertain significance. Review status: criteria provided, single submitter (1 of 4 stars). 2 submissions from 2 submitters: Uncertain significance (1). 1 of the submissions does not count toward it. Last evaluated 2024-08-29.

Conditions:
LAMA5-related disorder. Also called: LAMA5-related condition; LAMA5-Related Disorders.

Allele frequency attached by ClinVar (database versions not stated): gnomAD exomes 0.00005; ExAC 0.00016; 1000 Genomes Project 30x 0.00031; 1000 Genomes Project 0.00040; TOPMed 0.00062; ESP Exome Variant Server 0.00077.
gnomAD v4.1: 154 of 1,599,336 alleles (0.0096%); highest among the groups gnomAD compares: African/African-American, 0.19%; no homozygotes.

Submissions (2):

Labcorp Genetics (formerly Invitae), Labcorp
Classification: Uncertain significance. Last evaluated: 2024-08-29. Review status: criteria provided, single submitter. Criteria: Invitae Variant Classification Sherloc (09022015). Collection method: clinical testing. Allele origin: germline.
Comment: This sequence change replaces methionine, which is neutral and non-polar, with isoleucine, which is neutral and non-polar, at codon 2472 of the LAMA5 protein (p.Met2472Ile). This variant is present in population databases (rs138561117, gnomAD 0.2%). This variant has not been reported in the literature in individuals affected with LAMA5-related conditions. Invitae Evidence Modeling of protein sequence and biophysical properties (such as structural, functional, and spatial information, amino acid conservation, physicochemical variation, residue mobility, and thermodynamic stability) indicates that this missense variant is not expected to disrupt LAMA5 protein function with a negative predictive value of 80%. In summary, the available evidence is currently insufficient to determine the role of this variant in disease. Therefore, it has been classified as a Variant of Uncertain Significance.

PreventionGenetics, part of Exact Sciences
Classification: Likely benign for LAMA5-related condition. Last evaluated: 2023-11-30. Review status: no assertion criteria provided. Collection method: clinical testing. Allele origin: germline. Not counted in ClinVar's aggregate classification.
Comment: This variant is classified as likely benign based on ACMG/AMP sequence variant interpretation guidelines (Richards et al. 2015 PMID: 25741868, with internal and published modifications).